The following is an entry in ClinVar:

ClinVar aggregate classification (germline): Likely benign. Review status: criteria provided, multiple submitters, no conflicts (2 of 4 stars). 3 submissions from 3 submitters: Likely benign (2). 1 of the submissions does not count toward it. Last evaluated 2024-11-26.

Conditions:
MYOM1-related disorder.
Hypertrophic cardiomyopathy. Also called: HYPERTROPHIC MYOCARDIOPATHY. Identifiers: Orphanet 217569, MedGen C0007194, MeSH D002312, MONDO:0005045, HP:0001639.

Allele frequency attached by ClinVar (database versions not stated): ExAC 0.00001; gnomAD 0.00001; gnomAD exomes 0.00002; TOPMed 0.00002.
gnomAD v4.1: 35 of 1,613,770 alleles (0.0022%); highest among the groups gnomAD compares: East Asian, 0.0045%; no homozygotes.

Submissions (3):

Labcorp Genetics (formerly Invitae), Labcorp
Classification: Likely benign for Hypertrophic cardiomyopathy. Last evaluated: 2024-11-26. Review status: criteria provided, single submitter. Criteria: Invitae Variant Classification Sherloc (09022015). Collection method: clinical testing. Allele origin: germline.

Ambry Genetics
Classification: Likely benign. Last evaluated: 2020-08-30. Review status: criteria provided, single submitter. Criteria: Ambry Variant Classification Scheme 2023. Collection method: clinical testing. Allele origin: germline.

PreventionGenetics, part of Exact Sciences
Classification: Likely benign for MYOM1-related condition. Last evaluated: 2022-07-15. Review status: no assertion criteria provided. Collection method: clinical testing. Allele origin: germline. Not counted in ClinVar's aggregate classification.
Comment: This variant is classified as likely benign based on ACMG/AMP sequence variant interpretation guidelines (Richards et al. 2015 PMID: 25741868, with internal and published modifications).

NM_003803.4(MYOM1):c.4569G>A (p.Pro1523=)

Gene: MYOM1 (myomesin 1; minus strand). Cytogenetic location: 18p11.31.
Variant type: single nucleotide variant.
Coding change: c.4569G>A on transcript NM_003803.4 (MANE Select); coding-DNA position 4569, G replaced by A.
Protein change: p.Pro1523=; no amino-acid change (proline 1523 retained).
Molecular consequence: synonymous variant.
Genome position (GRCh38, 1-based): chr18:3,079,258, C>T on the plus strand (G>A on the coding strand, the complement: MYOM1 is on the minus strand). VCF-style: chr18-3079258-C-T. GRCh37 (hg19) VCF-style: chr18-3079256-C-T.
Other names: c.4281G>A, p.Pro1427= (NM_019856.2).
Identifiers: ClinVar variation 1741529 (VCV001741529.7), dbSNP rs750948609, ClinGen allele CA8873902.